The following is an entry in ClinVar:

NM_004637.6(RAB7A):c.74T>C (p.Met25Thr)

Gene: RAB7A (RAB7A, member RAS oncogene family; plus strand). Cytogenetic location: 3q21.3.
Variant type: single nucleotide variant.
Coding change: c.74T>C on transcript NM_004637.6 (MANE Select); coding-DNA position 74, T replaced by C.
Protein change: p.Met25Thr; replaces methionine 25 with threonine.
Molecular consequence: missense variant.
Genome position (GRCh38, 1-based): chr3:128,797,963, T>C. VCF-style: chr3-128797963-T-C. GRCh37 (hg19) VCF-style: chr3-128516806-T-C.
Other names: short protein forms M25T.
Identifiers: ClinVar variation 2057029 (VCV002057029.4), dbSNP rs2529127203, ClinGen allele CA354707485.

ClinVar aggregate classification (germline): Uncertain significance (1 of 4 stars; one submission).

Conditions:
Charcot-Marie-Tooth disease type 2B (CMT2B). Also called: Charcot-Marie-Tooth Neuropathy Type 2B; CHARCOT-MARIE-TOOTH DISEASE, AXONAL, TYPE 2B; CHARCOT-MARIE-TOOTH DISEASE, AUTOSOMAL DOMINANT, TYPE 2B; HEREDITARY MOTOR AND SENSORY NEUROPATHY IIB. Identifiers: Orphanet 99936, MedGen C1833219, MONDO:0010949, OMIM 600882.

Submission:

Labcorp Genetics (formerly Invitae), Labcorp
Classification: Uncertain significance for Charcot-Marie-Tooth disease type 2B. Last evaluated: 2022-11-21. Review status: criteria provided, single submitter. Criteria: Invitae Variant Classification Sherloc (09022015). Collection method: clinical testing. Allele origin: germline.
Comment: In summary, the available evidence is currently insufficient to determine the role of this variant in disease. Therefore, it has been classified as a Variant of Uncertain Significance. Algorithms developed to predict the effect of missense changes on protein structure and function (SIFT, PolyPhen-2, Align-GVGD) all suggest that this variant is likely to be disruptive. This variant has not been reported in the literature in individuals affected with RAB7A-related conditions. This variant is not present in population databases (gnomAD no frequency). This sequence change replaces methionine, which is neutral and non-polar, with threonine, which is neutral and polar, at codon 25 of the RAB7A protein (p.Met25Thr).